The following is an entry in ClinVar:

ClinVar aggregate classification (germline): Uncertain significance (1 of 4 stars; one submission).

Submission:

GeneDx
Classification: Uncertain significance. Last evaluated: 2025-08-21. Review status: criteria provided, single submitter. Criteria: GeneDx Variant Classification Process June 2021. Collection method: clinical testing. Allele origin: germline.
Comment: Not observed at significant frequency in large population cohorts (gnomAD); In silico analysis indicates that this missense variant does not alter protein structure/function; Has not been previously published as pathogenic or benign to our knowledge

NM_016188.5(ACTL6B):c.208A>G (p.Asn70Asp)

Gene: ACTL6B (actin like 6B; minus strand). Cytogenetic location: 7q22.1.
Variant type: single nucleotide variant.
Coding change: c.208A>G on transcript NM_016188.5 (MANE Select); coding-DNA position 208, A replaced by G.
Protein change: p.Asn70Asp; replaces asparagine 70 with aspartic acid.
Molecular consequence: missense variant. On other transcripts: non-coding transcript variant (1).
Genome position (GRCh38, 1-based): chr7:100,655,481, T>C on the plus strand (A>G on the coding strand, the complement: ACTL6B is on the minus strand). VCF-style: chr7-100655481-T-C. GRCh37 (hg19) VCF-style: chr7-100253104-T-C.
Other names: short protein forms N70D.
Identifiers: ClinVar variation 3774765 (VCV003774765.2).